The following is an entry in ClinVar:

NM_016203.4(PRKAG2):c.1148A>G (p.His383Arg)

Gene: PRKAG2 (protein kinase AMP-activated non-catalytic subunit gamma 2; minus strand). Cytogenetic location: 7q36.1.
Variant type: single nucleotide variant.
Coding change: c.1148A>G on transcript NM_016203.4 (MANE Select); coding-DNA position 1148, A replaced by G.
Protein change: p.His383Arg; replaces histidine 383 with arginine.
Molecular consequence: missense variant.
Genome position (GRCh38, 1-based): chr7:151,568,801, T>C on the plus strand (A>G on the coding strand, the complement: PRKAG2 is on the minus strand). VCF-style: chr7-151568801-T-C. GRCh37 (hg19) VCF-style: chr7-151265887-T-C.
Other names: c.1016A>G, p.His339Arg (NM_001040633.2); c.773A>G, p.His258Arg (NM_001304527.2); c.425A>G, p.His142Arg (NM_001304531.2, NM_024429.2); c.776A>G, p.His259Arg (NM_001363698.2); short protein forms H142R, H383R, H259R, H339R, H258R.
Identifiers: ClinVar variation 6847 (VCV000006847.14), dbSNP rs121908988, ClinGen allele CA013609.

ClinVar aggregate classification (germline): Conflicting classifications of pathogenicity. Review status: criteria provided, conflicting classifications (1 of 4 stars). 4 submissions from 4 submitters: Pathogenic (1); Likely pathogenic (1); Uncertain significance (1). 1 of the submissions does not count toward it. Last evaluated 2025-01-13.

Conditions:
Lethal congenital glycogen storage disease of heart. Also called: GLYCOGEN STORAGE DISEASE OF HEART; PHOSPHORYLASE KINASE DEFICIENCY OF HEART. Identifiers: Orphanet 439854, MedGen C1849813, MONDO:0009867, OMIM 261740.
Hypertrophic cardiomyopathy 6. Identifiers: MedGen C1833236, MONDO:0010946, OMIM 600858.

Submissions (4):

GeneDx
Classification: Likely pathogenic. Last evaluated: 2025-01-13. Review status: criteria provided, single submitter. Criteria: GeneDx Variant Classification Process June 2021. Collection method: clinical testing. Allele origin: germline. Affected: yes.
Comment: Reported in association with PRKAG2-related cardiac disease and identified in three individuals from one family with HCM and pre-excitation in published literature (PMID: 11371514, 32646569); Not observed at significant frequency in large population cohorts (gnomAD); Published in vitro functional study suggests this variant may affect protein function, although it is unclear how these studies may translate to a pathogenic role in vivo (PMID: 14722619); In silico analysis supports that this missense variant has a deleterious effect on protein structure/function; This variant is associated with the following publications: (PMID: 28431061, 17667862, 15877279, 11748095, 32259713, 32646569, 11371514, 14722619)

Labcorp Genetics (formerly Invitae), Labcorp
Classification: Pathogenic for Lethal congenital glycogen storage disease of heart. Last evaluated: 2023-02-16. Review status: criteria provided, single submitter. Criteria: Invitae Variant Classification Sherloc (09022015). Collection method: clinical testing. Allele origin: germline.
Comment: This sequence change replaces histidine, which is basic and polar, with arginine, which is basic and polar, at codon 383 of the PRKAG2 protein (p.His383Arg). This variant is not present in population databases (gnomAD no frequency). This missense change has been observed in individuals with clinical features of PRKAG2-related conditions (PMID: 11371514, 32646569; Invitae). It has also been observed to segregate with disease in related individuals. This variant is also known as His142Arg. ClinVar contains an entry for this variant (Variation ID: 6847). Advanced modeling of protein sequence and biophysical properties (such as structural, functional, and spatial information, amino acid conservation, physicochemical variation, residue mobility, and thermodynamic stability) has been performed at Invitae for this missense variant, however the output from this modeling did not meet the statistical confidence thresholds required to predict the impact of this variant on PRKAG2 protein function. Experimental studies have shown that this missense change affects PRKAG2 function (PMID: 14722619). For these reasons, this variant has been classified as Pathogenic.

Laboratory for Molecular Medicine, Mass General Brigham Personalized Medicine
Classification: Uncertain significance. Last evaluated: 2016-04-15. Review status: criteria provided, single submitter. Criteria: LMM Criteria. Collection method: clinical testing. Allele origin: germline. Observed: 1 variant allele.
Comment: Variant classified as Uncertain Significance - Favor Pathogenic. The p.His383Arg variant in PRKAG2 has been reported in 1 individual with HCM and conduction abn ormalities, segregated with disease in 2 affected relatives (Blair 2001), and wa s absent from large population studies. In vitro functional studies provide some evidence that the p.His383Arg variant may impact protein function (Scott 2004). However, these types of assays may not accurately represent biological function . Computational prediction tools and conservation analysis do not provide strong support for or against an impact to the protein. In summary, while there is so me suspicion for a pathogenic role, the clinical significance of the p.His383Arg variant is uncertain.

OMIM
Classification: Pathogenic for CARDIOMYOPATHY, FAMILIAL HYPERTROPHIC, 6. Last evaluated: 2001-05-15. Review status: no assertion criteria provided. Collection method: literature only. Allele origin: germline. Not counted in ClinVar's aggregate classification.

Literature cited by the submitters: PubMed 11371514 (cited by 3 submitters); PubMed 32646569 (cited by Labcorp Genetics (formerly Invitae), Labcorp); PubMed 14722619 (cited by Labcorp Genetics (formerly Invitae), Labcorp and Laboratory for Molecular Medicine, Mass General Brigham Personalized Medicine).